The following is an entry in ClinVar:

NM_001083116.3(PRF1):c.610T>C (p.Phe204Leu)

Gene: PRF1 (perforin 1; minus strand). Cytogenetic location: 10q22.1.
Variant type: single nucleotide variant.
Coding change: c.610T>C on transcript NM_001083116.3 (MANE Select); coding-DNA position 610, T replaced by C.
Protein change: p.Phe204Leu; replaces phenylalanine 204 with leucine.
Molecular consequence: missense variant.
Genome position (GRCh38, 1-based): chr10:70,599,111, A>G on the plus strand (T>C on the coding strand, the complement: PRF1 is on the minus strand). VCF-style: chr10-70599111-A-G. GRCh37 (hg19) VCF-style: chr10-72358867-A-G.
Other names: c.610T>C, p.Phe204Leu (NM_005041.6); short protein forms F204L.
Identifiers: ClinVar variation 1704139 (VCV001704139.2), dbSNP rs1178490253, ClinGen allele CA376959041.

ClinVar aggregate classification (germline): Uncertain significance (1 of 4 stars; one submission).

Allele frequency attached by ClinVar (database versions not stated): gnomAD exomes 0.00001.
gnomAD v4.1: 12 of 1,614,130 alleles (0.00074%); highest among the groups gnomAD compares: Non-Finnish European, 0.001%; no homozygotes.

Submission:

GeneDx
Classification: Uncertain significance. Last evaluated: 2022-02-24. Review status: criteria provided, single submitter. Criteria: GeneDx Variant Classification Process June 2021. Collection method: clinical testing. Allele origin: germline. Affected: yes.
Comment: Not observed at significant frequency in large population cohorts (gnomAD); In silico analysis supports that this missense variant has a deleterious effect on protein structure/function; Has not been previously published as pathogenic or benign to our knowledge